The following is an entry in ClinVar:

ClinVar aggregate classification (germline): Uncertain significance (1 of 4 stars; one submission).

Submission:

GeneDx
Classification: Uncertain significance. Last evaluated: 2020-06-24. Review status: criteria provided, single submitter. Criteria: GeneDx Variant Classification Process June 2021. Collection method: clinical testing. Allele origin: germline. Affected: yes.
Comment: Not observed in large population cohorts (Lek 2016); In silico analysis supports that this missense variant does not alter protein structure/function; Has not been previously published as pathogenic or benign to our knowledge

NM_001042492.3(NF1):c.2177T>C (p.Val726Ala)

Gene: NF1 (neurofibromin 1; plus strand). Cytogenetic location: 17q11.2.
Variant type: single nucleotide variant.
Coding change: c.2177T>C on transcript NM_001042492.3 (MANE Select); coding-DNA position 2177, T replaced by C.
Protein change: p.Val726Ala; replaces valine 726 with alanine.
Molecular consequence: missense variant.
Genome position (GRCh38, 1-based): chr17:31,226,610, T>C. VCF-style: chr17-31226610-T-C. GRCh37 (hg19) VCF-style: chr17-29553628-T-C.
Other names: c.2177T>C, p.Val726Ala (NM_000267.4); short protein forms V726A.
Identifiers: ClinVar variation 1321062 (VCV001321062.2), dbSNP rs2151425984, ClinGen allele CA398982430.